The following is an entry in ClinVar:

ClinVar aggregate classification (germline): Uncertain significance (1 of 4 stars; one submission).

Conditions:
Inborn genetic diseases. Identifiers: MedGen C0950123, MeSH D030342.

Submission:

Ambry Genetics
Classification: Uncertain significance for Inborn genetic diseases. Last evaluated: 2021-10-07. Review status: criteria provided, single submitter. Criteria: Ambry Variant Classification Scheme 2023. Collection method: clinical testing. Allele origin: germline.
Comment: The p.P290L variant (also known as c.869C>T), located in coding exon 2 of the SMAD6 gene, results from a C to T substitution at nucleotide position 869. The proline at codon 290 is replaced by leucine, an amino acid with similar properties. This amino acid position is conserved. In addition, this alteration is predicted to be deleterious by in silico analysis. Since supporting evidence is limited at this time, the clinical significance of this alteration remains unclear.

NM_005585.5(SMAD6):c.869C>T (p.Pro290Leu)

Gene: SMAD6 (SMAD family member 6; plus strand). Cytogenetic location: 15q22.31.
Variant type: single nucleotide variant.
Coding change: c.869C>T on transcript NM_005585.5 (MANE Select); coding-DNA position 869, C replaced by T.
Protein change: p.Pro290Leu; replaces proline 290 with leucine.
Molecular consequence: missense variant. On other transcripts: non-coding transcript variant (1).
Genome position (GRCh38, 1-based): chr15:66,711,719, C>T. VCF-style: chr15-66711719-C-T. GRCh37 (hg19) VCF-style: chr15-67004057-C-T.
Other names: short protein forms P290L.
Identifiers: ClinVar variation 1764337 (VCV001764337.2), dbSNP rs2545322858, ClinGen allele CA392951120.